The following is an entry in ClinVar:

NM_152305.3(POGLUT1):c.1147A>C (p.Ile383Leu)

Gene: POGLUT1 (protein O-glucosyltransferase 1; plus strand). Cytogenetic location: 3q13.33.
Variant type: single nucleotide variant.
Coding change: c.1147A>C on transcript NM_152305.3 (MANE Select); coding-DNA position 1147, A replaced by C.
Protein change: p.Ile383Leu; replaces isoleucine 383 with leucine.
Molecular consequence: missense variant. On other transcripts: non-coding transcript variant (1).
Genome position (GRCh38, 1-based): chr3:119,492,406, A>C. VCF-style: chr3-119492406-A-C. GRCh37 (hg19) VCF-style: chr3-119211253-A-C.
Other names: short protein forms I383L.
Identifiers: ClinVar variation 3724558 (VCV003724558.2).

ClinVar aggregate classification (germline): Uncertain significance (1 of 4 stars; one submission).

Submission:

Labcorp Genetics (formerly Invitae), Labcorp
Classification: Uncertain significance. Last evaluated: 2024-11-03. Review status: criteria provided, single submitter. Criteria: Invitae Variant Classification Sherloc (09022015). Collection method: clinical testing. Allele origin: germline.
Comment: This sequence change replaces isoleucine, which is neutral and non-polar, with leucine, which is neutral and non-polar, at codon 383 of the POGLUT1 protein (p.Ile383Leu). This variant is not present in population databases (gnomAD no frequency). This variant has not been reported in the literature in individuals affected with POGLUT1-related conditions. An algorithm developed to predict the effect of missense changes on protein structure and function (PolyPhen-2) suggests that this variant is likely to be disruptive. In summary, the available evidence is currently insufficient to determine the role of this variant in disease. Therefore, it has been classified as a Variant of Uncertain Significance.